The following is an entry in ClinVar:

NM_001127649.3(PEX26):c.725_726del (p.Ser242fs)

Gene: PEX26 (peroxisomal biogenesis factor 26; plus strand). Cytogenetic location: 22q11.21.
Variant type: Microsatellite.
Coding change: c.725_726del on transcript NM_001127649.3 (MANE Select); coding-DNA positions 725 to 726, 2 bases deleted (CT; older notation c.725_726delCT).
Protein change: p.Ser242fs; shifts the reading frame from serine 242.
Molecular consequence: frameshift variant. On other transcripts: intron variant (1).
Genome position (GRCh38, 1-based): chr22:18,085,169-18,085,170, CT deleted; deleting any 2 consecutive bases within chr22:18,085,167-18,085,170 gives the same sequence; the c. name uses the placement nearest the transcript's 3' end. VCF-style (leftmost placement, unchanged base first): chr22-18085166-ACT-A. GRCh37 (hg19) VCF-style: chr22-18567932-ACT-A.
Other names: c.725_726del, p.Ser242fs (NM_017929.6); c.667+1437_667+1438del (NM_001199319.2); short protein forms S242fs.
Identifiers: ClinVar variation 2122801 (VCV002122801.4), dbSNP rs2517673366, ClinGen allele CA2580615243.

ClinVar aggregate classification (germline): Pathogenic (1 of 4 stars; one submission).

Conditions:
Peroxisome biogenesis disorder 7A (Zellweger). Also called: Peroxisome biogenesis disorder 7A. Identifiers: Orphanet 912, MedGen C3888385, MONDO:0013938, OMIM 614872.
Peroxisome biogenesis disorder 7B (PBD7B). Identifiers: Orphanet 44, MedGen C3553951, MONDO:0013939, OMIM 614873.

Submission:

Labcorp Genetics (formerly Invitae), Labcorp
Classification: Pathogenic for Peroxisome biogenesis disorder 7A (Zellweger); Peroxisome biogenesis disorder 7B. Last evaluated: 2022-08-16. Review status: criteria provided, single submitter. Criteria: Invitae Variant Classification Sherloc (09022015). Collection method: clinical testing. Allele origin: germline.
Comment: This variant has not been reported in the literature in individuals affected with PEX26-related conditions. This sequence change creates a premature translational stop signal (p.Ser242Cysfs*28) in the PEX26 gene. While this is not anticipated to result in nonsense mediated decay, it is expected to disrupt the last 64 amino acid(s) of the PEX26 protein. This variant is not present in population databases (gnomAD no frequency). This variant disrupts a region of the PEX26 protein in which other variant(s) (p.Cys263Trpfs*2) have been determined to be pathogenic (Invitae). This suggests that this is a clinically significant region of the protein, and that variants that disrupt it are likely to be disease-causing. For these reasons, this variant has been classified as Pathogenic.